The following is an entry in ClinVar:

NM_005045.4(RELN):c.4232C>T (p.Pro1411Leu)

Gene: RELN (reelin; minus strand). Cytogenetic location: 7q22.1.
Variant type: single nucleotide variant.
Coding change: c.4232C>T on transcript NM_005045.4 (MANE Select); coding-DNA position 4232, C replaced by T.
Protein change: p.Pro1411Leu; replaces proline 1411 with leucine.
Molecular consequence: missense variant.
Genome position (GRCh38, 1-based): chr7:103,575,619, G>A on the plus strand (C>T on the coding strand, the complement: RELN is on the minus strand). VCF-style: chr7-103575619-G-A. GRCh37 (hg19) VCF-style: chr7-103216066-G-A.
Other names: c.4232C>T, p.Pro1411Leu (NM_173054.3); short protein forms P1411L.
Identifiers: ClinVar variation 3754434 (VCV003754434.2).

ClinVar aggregate classification (germline): Uncertain significance (1 of 4 stars; one submission).

Conditions:
Norman-Roberts syndrome (LIS2). Also called: Lissencephaly 2 (Norman-Roberts type). Identifiers: Orphanet 89844, MedGen C0796089, MONDO:0009760, OMIM 257320.
Familial temporal lobe epilepsy 7. Identifiers: Orphanet 101046, MedGen C4225327, MONDO:0014639, OMIM 616436.

gnomAD v4.1: 1 of 1,614,104 alleles (0.000062%); highest among the groups gnomAD compares: Non-Finnish European, 0.000085%; no homozygotes.

Submission:

Labcorp Genetics (formerly Invitae), Labcorp
Classification: Uncertain significance for Familial temporal lobe epilepsy 7; Norman-Roberts syndrome. Last evaluated: 2024-02-05. Review status: criteria provided, single submitter. Criteria: Invitae Variant Classification Sherloc (09022015). Collection method: clinical testing. Allele origin: germline.
Comment: This sequence change replaces proline, which is neutral and non-polar, with leucine, which is neutral and non-polar, at codon 1411 of the RELN protein (p.Pro1411Leu). This variant is not present in population databases (gnomAD no frequency). This variant has not been reported in the literature in individuals affected with RELN-related conditions. Advanced modeling of protein sequence and biophysical properties (such as structural, functional, and spatial information, amino acid conservation, physicochemical variation, residue mobility, and thermodynamic stability) has been performed at Invitae for this missense variant, however the output from this modeling did not meet the statistical confidence thresholds required to predict the impact of this variant on RELN protein function. In summary, the available evidence is currently insufficient to determine the role of this variant in disease. Therefore, it has been classified as a Variant of Uncertain Significance.